The following is an entry in ClinVar:

ClinVar aggregate classification (germline): Conflicting classifications of pathogenicity. Review status: criteria provided, conflicting classifications (1 of 4 stars). 2 submissions from 2 submitters: Likely pathogenic (1); Uncertain significance (1). Last evaluated 2026-03-10.

Conditions:
Inborn genetic diseases. Identifiers: MedGen C0950123, MeSH D030342.

Allele frequency attached by ClinVar (database versions not stated): gnomAD exomes below 0.00001; gnomAD 0.00001; TOPMed 0.00001.
gnomAD v4.1: 3 of 1,592,766 alleles (0.00019%); highest among the groups gnomAD compares: African/African-American, 0.004%; no homozygotes.

Submissions (2):

GeneDx
Classification: Likely pathogenic. Last evaluated: 2026-03-10. Review status: criteria provided, single submitter. Criteria: GeneDx Variant Classification Process June 2021. Collection method: clinical testing. Allele origin: germline.
Comment: Not observed at significant frequency in large population cohorts (gnomAD); In silico analysis supports that this missense variant has a deleterious effect on protein structure/function; Has not been previously published as pathogenic or benign to our knowledge

Ambry Genetics
Classification: Uncertain significance for Inborn genetic diseases. Last evaluated: 2021-07-14. Review status: criteria provided, single submitter. Criteria: Ambry Variant Classification Scheme 2023. Collection method: clinical testing. Allele origin: germline.

NM_021971.4(GMPPB):c.29A>G (p.Tyr10Cys)

Gene: GMPPB (GDP-mannose pyrophosphorylase B; minus strand). Cytogenetic location: 3p21.31.
Variant type: single nucleotide variant.
Coding change: c.29A>G on transcript NM_021971.4 (MANE Select); coding-DNA position 29, A replaced by G.
Protein change: p.Tyr10Cys; replaces tyrosine 10 with cysteine.
Molecular consequence: missense variant.
Genome position (GRCh38, 1-based): chr3:49,723,698, T>C on the plus strand (A>G on the coding strand, the complement: GMPPB is on the minus strand). VCF-style: chr3-49723698-T-C. GRCh37 (hg19) VCF-style: chr3-49761131-T-C.
Other names: c.29A>G, p.Tyr10Cys (NM_013334.4); c.29A>G (NM_013334.3); short protein forms Y10C.
Identifiers: ClinVar variation 2237627 (VCV002237627.4), dbSNP rs1254280503, ClinGen allele CA352831963.